The following is an entry in ClinVar:

NM_176787.5(PIGN):c.1097A>T (p.Gln366Leu)

Gene: PIGN (phosphatidylinositol glycan anchor biosynthesis class N; minus strand). Cytogenetic location: 18q21.33.
Variant type: single nucleotide variant.
Coding change: c.1097A>T on transcript NM_176787.5 (MANE Select); coding-DNA position 1097, A replaced by T.
Protein change: p.Gln366Leu; replaces glutamine 366 with leucine.
Molecular consequence: missense variant.
Genome position (GRCh38, 1-based): chr18:62,139,002, T>A on the plus strand (A>T on the coding strand, the complement: PIGN is on the minus strand). VCF-style: chr18-62139002-T-A. GRCh37 (hg19) VCF-style: chr18-59806235-T-A.
Other names: c.1097A>T, p.Gln366Leu (NM_012327.6); short protein forms Q366L.
Identifiers: ClinVar variation 3357896 (VCV003357896.2).
Genomic context (GRCh38, chr18:62,139,002, plus strand): 5'-TTGTCCATTTTTGTGCGTGCCTTTTTGAATTTTTTTTTTACCTTGAACTGTTCAAGAATC[T>A]GTACTGCATTTGTAAACATGCTCTCTGCTTTGAAGAGATCAGTGTTGTTAAGATAATCCA-3'
Protein context (NP_789744.1, residues 356-376): KAESMFTNAV[Gln366Leu]ILEQFKVKMT

ClinVar aggregate classification (germline): Uncertain significance. Review status: criteria provided, single submitter (1 of 4 stars). 2 submissions from 2 submitters: Uncertain significance (1). 1 of the submissions does not count toward it. Last evaluated 2024-04-08.

Conditions:
PIGN-related disorder. Also called: PIGN-related condition.
Multiple congenital anomalies-hypotonia-seizures syndrome 1 (MCAHS1). Also called: GLYCOSYLPHOSPHATIDYLINOSITOL BIOSYNTHESIS DEFECT 3; PIGN-CDG; Congenital disorder of glycosylation due to PIGN deficiency. Identifiers: Orphanet 280633, MedGen C3279775, MONDO:0013563, OMIM 614080.

gnomAD v4.1: 3 of 1,606,392 alleles (0.00019%); highest among the groups gnomAD compares: Non-Finnish European, 0.00026%; no homozygotes.

Submissions (2):

ARUP Laboratories, Molecular Genetics and Genomics, ARUP Laboratories
Classification: Uncertain significance for Multiple congenital anomalies-hypotonia-seizures syndrome 1. Last evaluated: 2024-04-08. Review status: criteria provided, single submitter. Criteria: ARUP Molecular Germline Variant Investigation Process 2024. Collection method: clinical testing. Allele origin: germline.

PreventionGenetics, part of Exact Sciences
Classification: Uncertain significance for PIGN-related condition. Last evaluated: 2024-07-28. Review status: no assertion criteria provided. Collection method: clinical testing. Allele origin: germline. Not counted in ClinVar's aggregate classification.
Comment: The PIGN c.1097A>T variant is predicted to result in the amino acid substitution p.Gln366Leu. To our knowledge, this variant has not been reported in the literature or in a large population database, indicating this variant is rare. At this time, the clinical significance of this variant is uncertain due to the absence of conclusive functional and genetic evidence.